The following is an entry in ClinVar:

ClinVar aggregate classification (germline): Benign/Likely benign. Review status: criteria provided, multiple submitters, no conflicts (2 of 4 stars). 2 submissions from 2 submitters: Benign (1); Likely benign (1). Last evaluated 2024-04-12.

Conditions:
Hereditary cancer-predisposing syndrome. Also called: Neoplastic Syndromes, Hereditary; Tumor predisposition; Hereditary Cancer Syndrome; Hereditary neoplastic syndrome. Identifiers: Orphanet 140162, MedGen C0027672, MeSH D009386, MONDO:0015356.
Familial adenomatous polyposis 1 (FAP1). Also called: FAMILIAL ADENOMATOUS POLYPOSIS 1, ATTENUATED; POLYPOSIS, ADENOMATOUS INTESTINAL. Identifiers: MedGen C2713442, MONDO:0021056, OMIM 175100. Disease mechanism: loss of function.

Submissions (2):

Myriad Genetics, Inc.
Classification: Benign for Familial adenomatous polyposis 1. Last evaluated: 2024-04-12. Review status: criteria provided, single submitter. Criteria: Myriad Autosomal Dominant, Autosomal Recessive and X-Linked Classification Criteria (2023). Collection method: clinical testing. Allele origin: unknown.
Comment: This variant is considered benign. This variant is a silent/synonymous amino acid change and it is not expected to impact splicing.

Ambry Genetics
Classification: Likely benign for Hereditary cancer-predisposing syndrome. Last evaluated: 2022-05-26. Review status: criteria provided, single submitter. Criteria: Ambry Variant Classification Scheme 2023. Collection method: clinical testing. Allele origin: germline.

NM_000038.6(APC):c.8031T>C (p.Gly2677=)

Gene: APC (APC regulator of Wnt signaling pathway; plus strand). Cytogenetic location: 5q22.2.
Variant type: single nucleotide variant.
Coding change: c.8031T>C on transcript NM_000038.6 (MANE Select); coding-DNA position 8031, T replaced by C.
Protein change: p.Gly2677=; no amino-acid change (glycine 2677 retained).
Molecular consequence: synonymous variant. On other transcripts: non-coding transcript variant (2).
Genome position (GRCh38, 1-based): chr5:112,843,625, T>C. VCF-style: chr5-112843625-T-C. GRCh37 (hg19) VCF-style: chr5-112179322-T-C.
Other names: c.8031T>C, p.Gly2677= (NM_001127510.3, NM_001354895.2, NM_001407450.1); c.7977T>C, p.Gly2659= (NM_001127511.3); c.8085T>C, p.Gly2695= (NM_001354896.2, NM_001407447.1, NM_001407448.1 and 1 more transcripts); c.8061T>C, p.Gly2687= (NM_001354897.2); c.7956T>C, p.Gly2652= (NM_001354898.2); c.7947T>C, p.Gly2649= (NM_001354899.2); c.7908T>C, p.Gly2636= (NM_001354900.2); c.7854T>C, p.Gly2618= (NM_001354901.2, NM_001407453.1); and 11 more.
Identifiers: ClinVar variation 1761745 (VCV001761745.3), dbSNP rs2533839146, ClinGen allele CA446211029.
Genomic context (GRCh38, chr5:112,843,625, plus strand): 5'-TTGGGTGAGAATTGAGGACTGTCCCATTAACAATCCTAGATCTGGAAGATCTCCCACAGG[T>C]AATACTCCCCCGGTGATTGACAGTGTTTCAGAAAAGGCAAATCCAAACATTAAAGATTCA-3'
Protein context (NP_000029.2, residues 2667-2687): NNPRSGRSPT[Gly2677=]NTPPVIDSVS